The following is an entry in ClinVar:

NM_001197104.2(KMT2A):c.9554C>G (p.Ser3185Ter)

Gene: KMT2A (lysine methyltransferase 2A; plus strand). Cytogenetic location: 11q23.3.
Variant type: single nucleotide variant.
Coding change: c.9554C>G on transcript NM_001197104.2 (MANE Select); coding-DNA position 9554, C replaced by G.
Protein change: p.Ser3185Ter; replaces serine 3185 with a stop codon.
Molecular consequence: nonsense.
Genome position (GRCh38, 1-based): chr11:118,505,446, C>G. VCF-style: chr11-118505446-C-G. GRCh37 (hg19) VCF-style: chr11-118376161-C-G.
Other names: c.9644C>G, p.Ser3215Ter (NM_001412597.1); c.9545C>G, p.Ser3182Ter (NM_005933.4); short protein forms S3182*, S3185*, S3215*.
Identifiers: ClinVar variation 3030971 (VCV003030971.2), dbSNP rs2497020327, ClinGen allele CA382820927.

ClinVar aggregate classification (germline): Likely pathogenic (0 of 4 stars; one submission).

Conditions:
KMT2A-related disorder. Also called: KMT2A-related condition.

Submission:

PreventionGenetics, part of Exact Sciences
Classification: Likely pathogenic for KMT2A-related condition. Last evaluated: 2023-11-21. Review status: no assertion criteria provided. Collection method: clinical testing. Allele origin: germline.
Comment: The KMT2A c.9554C>G variant is predicted to result in premature protein termination (p.Ser3185*). To our knowledge, this variant has not been reported in the literature or in a large population database, indicating this variant is rare. Nonsense variants in KMT2A are expected to be pathogenic. This variant is interpreted as likely pathogenic.